The following is an entry in ClinVar:

ClinVar aggregate classification (germline): Uncertain significance (1 of 4 stars; one submission).

Conditions:
Charcot-Marie-Tooth disease type 4. Also called: Charcot-Marie-Tooth, Type 4; Charcot-Marie-Tooth disease, type IV. Identifiers: Orphanet 64749, MedGen C4082197, MONDO:0018995.

Allele frequency attached by ClinVar (database versions not stated): TOPMed below 0.00001.

Submission:

Labcorp Genetics (formerly Invitae), Labcorp
Classification: Uncertain significance for Charcot-Marie-Tooth disease type 4. Last evaluated: 2022-06-05. Review status: criteria provided, single submitter. Criteria: Invitae Variant Classification Sherloc (09022015). Collection method: clinical testing. Allele origin: germline.
Comment: This variant is not present in population databases (gnomAD no frequency). In summary, the available evidence is currently insufficient to determine the role of this variant in disease. Therefore, it has been classified as a Variant of Uncertain Significance. Algorithms developed to predict the effect of missense changes on protein structure and function (SIFT, PolyPhen-2, Align-GVGD) all suggest that this variant is likely to be tolerated. ClinVar contains an entry for this variant (Variation ID: 1498847). This variant has not been reported in the literature in individuals affected with FGD4-related conditions. This sequence change replaces threonine, which is neutral and polar, with serine, which is neutral and polar, at codon 87 of the FGD4 protein (p.Thr87Ser).

NM_001370298.3(FGD4):c.671C>G (p.Thr224Ser)

Gene: FGD4 (FYVE, RhoGEF and PH domain containing 4; plus strand). Cytogenetic location: 12p11.21.
Variant type: single nucleotide variant.
Coding change: c.671C>G on transcript NM_001370298.3 (MANE Select); coding-DNA position 671, C replaced by G.
Protein change: p.Thr224Ser; replaces threonine 224 with serine.
Molecular consequence: missense variant. On other transcripts: 5 prime UTR variant (5), non-coding transcript variant (1), intron variant (1).
Genome position (GRCh38, 1-based): chr12:32,582,127, C>G. VCF-style: chr12-32582127-C-G. GRCh37 (hg19) VCF-style: chr12-32735061-C-G.
Other names: c.515C>G, p.Thr172Ser (NM_001304481.2); c.-585C>G (NM_001304483.2); c.-892C>G (NM_001304484.2); c.-20C>G (NM_001330373.2, NM_001330374.2, NM_001384130.1); c.671C>G, p.Thr224Ser (NM_001384126.1); c.260C>G, p.Thr87Ser (NM_001384127.1, NM_001384128.1, NM_001384131.1 and 3 more transcripts); c.49-16370C>G (NM_001370297.1); short protein forms T172S, T224S, T87S.
Identifiers: ClinVar variation 1498847 (VCV001498847.6), dbSNP rs1282163986, ClinGen allele CA384355872.